The following is an entry in ClinVar:

NM_001457.4(FLNB):c.7768G>A (p.Glu2590Lys)

Gene: FLNB (filamin B; plus strand). Cytogenetic location: 3p14.3.
Variant type: single nucleotide variant.
Coding change: c.7768G>A on transcript NM_001457.4 (MANE Select); coding-DNA position 7768, G replaced by A.
Protein change: p.Glu2590Lys; replaces glutamic acid 2590 with lysine.
Molecular consequence: missense variant.
Genome position (GRCh38, 1-based): chr3:58,170,721, G>A. VCF-style: chr3-58170721-G-A. GRCh37 (hg19) VCF-style: chr3-58156448-G-A.
Other names: c.7861G>A, p.Glu2621Lys (NM_001164317.2); c.7735G>A, p.Glu2579Lys (NM_001164318.2); c.7696G>A, p.Glu2566Lys (NM_001164319.2); short protein forms E2590K, E2579K, E2566K, E2621K.
Identifiers: ClinVar variation 2106924 (VCV002106924.6), dbSNP rs2097381302, ClinGen allele CA353336382.

ClinVar aggregate classification (germline): Uncertain significance. Review status: criteria provided, multiple submitters, no conflicts (2 of 4 stars). 2 submissions from 2 submitters: Uncertain significance (2). Last evaluated 2026-01-22.

Allele frequency attached by ClinVar (database versions not stated): TOPMed 0.00001; gnomAD exomes below 0.00001.
gnomAD v4.1: 2 of 1,614,162 alleles (0.00012%); highest among the groups gnomAD compares: Admixed American, 0.0017%; no homozygotes.

Submissions (2):

Dasa
Classification: Uncertain significance. Last evaluated: 2026-01-22. Review status: criteria provided, single submitter. Criteria: DASA Assertion Criteria. Collection method: clinical testing. Allele origin: germline.
Comment: NM_001457.4(FLNB):c.7768G>A (p.Glu2590Lys) is a missense variant that results in the substitution of glutamic acid with lysine. This variant is rare in population databases. The currently available literature and clinical evidence are not sufficient to establish a definitive association between this variant and the reported condition. Therefore, this variant is classified as a variant of uncertain significance.

Labcorp Genetics (formerly Invitae), Labcorp
Classification: Uncertain significance. Last evaluated: 2023-04-01. Review status: criteria provided, single submitter. Criteria: Invitae Variant Classification Sherloc (09022015). Collection method: clinical testing. Allele origin: germline.
Comment: In summary, the available evidence is currently insufficient to determine the role of this variant in disease. Therefore, it has been classified as a Variant of Uncertain Significance. This sequence change replaces glutamic acid, which is acidic and polar, with lysine, which is basic and polar, at codon 2590 of the FLNB protein (p.Glu2590Lys). Advanced modeling of protein sequence and biophysical properties (such as structural, functional, and spatial information, amino acid conservation, physicochemical variation, residue mobility, and thermodynamic stability) performed at Invitae indicates that this missense variant is not expected to disrupt FLNB protein function. This variant has not been reported in the literature in individuals affected with FLNB-related conditions. This variant is not present in population databases (gnomAD no frequency). ClinVar contains an entry for this variant (Variation ID: 2106924).